The following is an entry in ClinVar:

NM_004230.4(S1PR2):c.794C>T (p.Pro265Leu)

Gene: S1PR2 (sphingosine-1-phosphate receptor 2; minus strand). Cytogenetic location: 19p13.2.
Variant type: single nucleotide variant.
Coding change: c.794C>T on transcript NM_004230.4 (MANE Select); coding-DNA position 794, C replaced by T.
Protein change: p.Pro265Leu; replaces proline 265 with leucine.
Molecular consequence: missense variant.
Genome position (GRCh38, 1-based): chr19:10,224,112, G>A on the plus strand (C>T on the coding strand, the complement: S1PR2 is on the minus strand). VCF-style: chr19-10224112-G-A. GRCh37 (hg19) VCF-style: chr19-10334788-G-A.
Other names: p.Pro265Leu; short protein forms P265L.
Identifiers: ClinVar variation 4542303 (VCV004542303.1).

ClinVar aggregate classification (germline): Uncertain significance (1 of 4 stars; one submission).

gnomAD v4.1: 8 of 1,604,786 alleles (0.0005%); highest among the groups gnomAD compares: African/African-American, 0.0027%; no homozygotes.

Submission:

Mayo Clinic Laboratories, Mayo Clinic
Classification: Uncertain significance. Last evaluated: 2025-02-15. Review status: criteria provided, single submitter. Criteria: ACMG Guidelines, 2015. Collection method: clinical testing. Allele origin: germline. Observed: 1 variant allele.
Comment: PM2_moderate